The following is an entry in ClinVar:

NM_018192.4(P3H2):c.516C>A (p.His172Gln)

Gene: P3H2 (prolyl 3-hydroxylase 2; minus strand). Cytogenetic location: 3q28.
Variant type: single nucleotide variant.
Coding change: c.516C>A on transcript NM_018192.4 (MANE Select); coding-DNA position 516, C replaced by A.
Protein change: p.His172Gln; replaces histidine 172 with glutamine.
Molecular consequence: missense variant. On other transcripts: 5 prime UTR variant (1).
Genome position (GRCh38, 1-based): chr3:189,995,407, G>T on the plus strand (C>A on the coding strand, the complement: P3H2 is on the minus strand). VCF-style: chr3-189995407-G-T. GRCh37 (hg19) VCF-style: chr3-189713196-G-T.
Other names: c.-28C>A (NM_001134418.2); short protein forms H172Q.
Identifiers: ClinVar variation 2768775 (VCV002768775.3), dbSNP rs759877182, ClinGen allele CA89743177.
Genomic context (GRCh38, chr3:189,995,407, plus strand): 5'-CCTGTAATTCTCAATGTTCTGCTGCATTTCCATGTGCTCAGGGTTAGCCACGAAAAATGT[G>T]TGAGCTGCTTCCACTGCTTTTTCGAGCTGGTTAAGCTAAAGAGAAAAAAAAATGACCAAA-3'
Protein context (NP_060662.2, residues 162-182): NQLEKAVEAA[His172Gln]TFFVANPEHM

ClinVar aggregate classification (germline): Uncertain significance (1 of 4 stars; one submission).

Allele frequency attached by ClinVar (database versions not stated): TOPMed below 0.00001; gnomAD 0.00001.
gnomAD v4.1: 3 of 1,613,842 alleles (0.00019%); highest among the groups gnomAD compares: Non-Finnish European, 0.00025%; no homozygotes.

Submission:

Labcorp Genetics (formerly Invitae), Labcorp
Classification: Uncertain significance. Last evaluated: 2023-06-30. Review status: criteria provided, single submitter. Criteria: Invitae Variant Classification Sherloc (09022015). Collection method: clinical testing. Allele origin: germline.
Comment: This sequence change replaces histidine, which is basic and polar, with glutamine, which is neutral and polar, at codon 172 of the P3H2 protein (p.His172Gln). This variant is present in population databases (no rsID available, gnomAD 0.007%). This variant has not been reported in the literature in individuals affected with P3H2-related conditions. Advanced modeling of protein sequence and biophysical properties (such as structural, functional, and spatial information, amino acid conservation, physicochemical variation, residue mobility, and thermodynamic stability) performed at Invitae indicates that this missense variant is not expected to disrupt P3H2 protein function. In summary, the available evidence is currently insufficient to determine the role of this variant in disease. Therefore, it has been classified as a Variant of Uncertain Significance.